The following is an entry in ClinVar:

ClinVar aggregate classification (germline): Pathogenic (1 of 4 stars; one submission).

Submission:

GeneDx
Classification: Pathogenic. Last evaluated: 2019-10-31. Review status: criteria provided, single submitter. Criteria: GeneDx Variant Classification Process June 2021. Collection method: clinical testing. Allele origin: germline. Affected: yes.
Comment: Frameshift variant predicted to result in protein truncation or nonsense mediated decay in a gene for which loss-of-function is a known mechanism of disease; Not observed in large population cohorts (Lek et al., 2016); This variant is associated with the following publications: (PMID: 20729109, 11162142)

NM_000397.4(CYBB):c.23_26dup (p.Leu10fs)

Gene: CYBB (cytochrome b-245 beta chain; plus strand). Cytogenetic location: Xp21.1.
Variant type: Duplication.
Coding change: c.23_26dup on transcript NM_000397.4 (MANE Select); coding-DNA positions 23 to 26, 4 bases duplicated (AGGG; older notation c.23_26dupAGGG).
Protein change: p.Leu10fs; shifts the reading frame from leucine 10.
Molecular consequence: frameshift variant.
Genome position (GRCh38, 1-based): chrX:37,780,100-37,780,103, AGGG duplicated; duplicating any 4 consecutive bases within chrX:37,780,099-37,780,103 gives the same sequence; the c. name uses the placement nearest the transcript's 3' end. VCF-style (leftmost placement, unchanged base first): chrX-37780098-T-TGAGG. GRCh37 (hg19) VCF-style: chrX-37639351-T-TGAGG.
Other names: c.23_26dupAGGG (NM_000397.3); short protein forms L10fs.
Identifiers: ClinVar variation 279793 (VCV000279793.3), dbSNP rs886041191, ClinGen allele CA10603660.